The following is an entry in ClinVar:

ClinVar aggregate classification (germline): Pathogenic/Likely pathogenic. Review status: criteria provided, multiple submitters, no conflicts (2 of 4 stars). 4 submissions from 4 submitters: Pathogenic (3); Likely pathogenic (1). Last evaluated 2026-05-28.

Conditions:
Cerebral arteriopathy, autosomal dominant, with subcortical infarcts and leukoencephalopathy, type 1 (CADASIL1). Also called: CADASIL 1; DEMENTIA, HEREDITARY MULTIINFARCT TYPE; CASIL; Cerebral arteriopathy with subcortical infarcts and leukoencephalopathy 1. Identifiers: Orphanet 136, MedGen C4551768, MONDO:0000914, OMIM 125310.

Submissions (4):

Women's Health and Genetics/Laboratory Corporation of America, LabCorp
Classification: Pathogenic for Cerebral arteriopathy, autosomal dominant, with subcortical infarcts and leukoencephalopathy, type 1. Last evaluated: 2026-05-28. Review status: criteria provided, single submitter. Criteria: LabCorp Variant Classification Summary - May 2015. Collection method: clinical testing. Allele origin: germline.
Comment: Variant summary: NOTCH3 c.436T>C (p.Cys146Arg) results in a non-conservative amino acid change, abolishing a cysteine residue in the 3rd EGF-like domain (UniProt) of the encoded protein sequence. Gain/loss of cysteine residues in the EGF-like repeat domains have been shown to be typical mutations of CADASIL and NOTCH3-related disorders (e.g. PMID 36535904). Algorithms developed to predict the effect of missense changes on protein structure and function all suggest that this variant is likely to be disruptive. The variant was absent in 242402 control chromosomes (gnomAD). c.436T>C has been observed in multiple individuals diagnosed with CADASIL1 (Cerebral arteriopathy, autosomal dominant, with subcortical infarcts and leukoencephalopathy, type 1) (e.g. Joutel_1997, Mazzucco_2008, Testi_2012, Wang_2011). These data indicate that the variant is very likely to be associated with disease. Publications also reported experimental evidence demonstrating that the Cys146Arg variant induced gross alterations in the surrounding domains, disrupting the normal structure of the protein (e.g. Lee_2023, Cartee_2025, Cartee_2026). The following publications have been ascertained in the context of this evaluation (PMID: 9388399, 18948701, 22664156, 20935329, 37209821, 39864627, 41862552). ClinVar contains an entry for this variant (Variation ID: 447848). Based on the evidence outlined above, the variant was classified as pathogenic.

Labcorp Genetics (formerly Invitae), Labcorp
Classification: Pathogenic. Last evaluated: 2025-03-16. Review status: criteria provided, single submitter. Criteria: Invitae Variant Classification Sherloc (09022015). Collection method: clinical testing. Allele origin: germline.
Comment: This sequence change replaces cysteine, which is neutral and slightly polar, with arginine, which is basic and polar, at codon 146 of the NOTCH3 protein (p.Cys146Arg). This variant is not present in population databases (gnomAD no frequency). This missense change has been observed in individuals with clinical features of autosomal dominant cerebral arteriopathy with subcortical infarcts and leukoencephalopathy (PMID: 9388399, 18948701, 20935329). This variant is also known as c.514T>C. ClinVar contains an entry for this variant (Variation ID: 447848). Invitae Evidence Modeling of protein sequence and biophysical properties (such as structural, functional, and spatial information, amino acid conservation, physicochemical variation, residue mobility, and thermodynamic stability) indicates that this missense variant is expected to disrupt NOTCH3 protein function with a positive predictive value of 95%. For these reasons, this variant has been classified as Pathogenic.

Athena Diagnostics
Classification: Pathogenic. Last evaluated: 2021-04-16. Review status: criteria provided, single submitter. Criteria: Athena Diagnostics criteria. Collection method: clinical testing. Allele origin: unknown.
Comment: This variant has not been reported in large, multi-ethnic general populations. This variant has been identified in multiple unrelated individuals with clinical features associated with this gene. This variant alters a critical location within the protein, and is expected to severely affect function and cause disease. Greater than 90% of NOTCH3 pathogenic mutations associated with CADASIL involve the gain or loss of a cysteine residue within the epidermal growth factor (EGF)-like repeat domain (PMID: 32457593, 20301673).

ARUP Laboratories, Molecular Genetics and Genomics, ARUP Laboratories
Classification: Likely pathogenic. Last evaluated: 2019-06-18. Review status: criteria provided, single submitter. Criteria: ARUP Molecular Germline Variant Investigation Process. Collection method: clinical testing. Allele origin: germline.
Comment: The NOTCH3 c.436T>C; p.Cys146Arg variant is reported in the literature in multiple individuals affected with CADASIL (Joutel 1997, Mazzucco 2009, Wang 2011). This variant is reported in ClinVar (Variation ID: 447848), and is absent from general population databases (Exome Variant Server, Genome Aggregation Database), indicating it is not a common polymorphism. The cysteine at codon 146 is highly conserved, and computational analyses (SIFT, PolyPhen-2) predict that this variant is deleterious. Additionally, other variants at this codon (c.438C>G, p.Cys146Trp; c.437G>A, p.Cys146Tyr) have been reported in individuals with CADASIL (Mizuta 2017, Parisi 2003). Based on available information, the p.Cys146Arg variant is considered to be likely pathogenic. References: Joutel A et al. Strong clustering and stereotyped nature of Notch3 mutations in CADASIL patients. Lancet. 1997 Nov 22;350(9090):1511-5. Mazzucco S et al. Cerebral autosomal dominant arteriopathy with subcortical infarcts and leucoencephalopathy and right-to-left shunt: lack of evidence for an association in a prevalence study. Eur Neurol. 2009;61(1):46-9. Mizuta I et al. New diagnostic criteria for cerebral autosomal dominant arteriopathy with subcortical infarcts and leukocencephalopathy in Japan. J Neurol Sci. 2017 Oct 15;381:62-67. Parisi V et al. Early visual function impairment in CADASIL. Neurology. 2003 Jun 24;60(12):2008-10. Wang Z et al. NOTCH3 mutations and clinical features in 33 mainland Chinese families with CADASIL. J Neurol Neurosurg Psychiatry. 2011 May;82(5):534-9.

Literature cited by the submitters: PubMed 20935329 (cited by 3 submitters); PubMed 9388399 (cited by 3 submitters); PubMed 39864627 (cited by Women's Health and Genetics/Laboratory Corporation of America, LabCorp); PubMed 22664156 (cited by Women's Health and Genetics/Laboratory Corporation of America, LabCorp and Athena Diagnostics); PubMed 18948701 (cited by 3 submitters); PubMed 37209821 (cited by Women's Health and Genetics/Laboratory Corporation of America, LabCorp); PubMed 41862552 (cited by Women's Health and Genetics/Laboratory Corporation of America, LabCorp).

NM_000435.3(NOTCH3):c.436T>C (p.Cys146Arg)

Gene: NOTCH3 (notch receptor 3; minus strand). Cytogenetic location: 19p13.12.
Variant type: single nucleotide variant.
Coding change: c.436T>C on transcript NM_000435.3 (MANE Select); coding-DNA position 436, T replaced by C.
Protein change: p.Cys146Arg; replaces cysteine 146 with arginine.
Molecular consequence: missense variant.
Genome position (GRCh38, 1-based): chr19:15,192,203, A>G on the plus strand (T>C on the coding strand, the complement: NOTCH3 is on the minus strand). VCF-style: chr19-15192203-A-G. GRCh37 (hg19) VCF-style: chr19-15303014-A-G.
Other names: short protein forms C146R.
Identifiers: ClinVar variation 447848 (VCV000447848.16), dbSNP rs1555729510, ClinGen allele CA404534080.